The following is an entry in ClinVar:

NM_003072.5(SMARCA4):c.3721C>T (p.His1241Tyr)

Gene: SMARCA4 (SWI/SNF related BAF chromatin remodeling complex subunit ATPase 4; plus strand). Cytogenetic location: 19p13.2.
Variant type: single nucleotide variant.
Coding change: c.3721C>T on transcript NM_003072.5 (MANE Select); coding-DNA position 3721, C replaced by T.
Protein change: p.His1241Tyr; replaces histidine 1241 with tyrosine.
Molecular consequence: missense variant. On other transcripts: non-coding transcript variant (1).
Genome position (GRCh38, 1-based): chr19:11,033,464, C>T. VCF-style: chr19-11033464-C-T. GRCh37 (hg19) VCF-style: chr19-11144140-C-T.
Other names: c.3721C>T, p.His1241Tyr (NM_001128844.3, NM_001128845.2, NM_001128846.2 and 6 more transcripts); short protein forms H1241Y.
Identifiers: ClinVar variation 3233111 (VCV003233111.1), dbSNP rs2146653811, ClinGen allele CA404065971.

ClinVar aggregate classification (germline): Uncertain significance (1 of 4 stars; one submission).

Conditions:
Hereditary cancer-predisposing syndrome. Also called: Neoplastic Syndromes, Hereditary; Tumor predisposition; Hereditary neoplastic syndrome; Hereditary Cancer Syndrome. Identifiers: Orphanet 140162, MedGen C0027672, MeSH D009386, MONDO:0015356.

Submission:

Ambry Genetics
Classification: Uncertain significance for Hereditary cancer-predisposing syndrome. Last evaluated: 2023-12-27. Review status: criteria provided, single submitter. Criteria: Ambry Variant Classification Scheme 2023. Collection method: clinical testing. Allele origin: germline.
Comment: The p.H1241Y variant (also known as c.3721C>T), located in coding exon 25 of the SMARCA4 gene, results from a C to T substitution at nucleotide position 3721. The histidine at codon 1241 is replaced by tyrosine, an amino acid with similar properties. This amino acid position is well conserved in available vertebrate species. In addition, the in silico prediction for this alteration is inconclusive. Missense and in-frame variants in SMARCA4 are known to cause neurodevelopmental disorders; however, such associations with rhabdoid tumor predisposition syndrome including small cell carcinoma of the ovary-hypercalcemic type (SCCOHT) are exceedingly rare (Kosho T et al. Am J Med Genet C Semin Med Genet. 2014 Sep;166C(3):262-75; Jelinic P et al. Nat Genet. 2014 May;46(5):424-6). Since supporting evidence is limited at this time, the clinical significance of this alteration remains unclear.